The following is an entry in ClinVar:

NM_000321.3(RB1):c.2774A>C (p.Lys925Thr)

Gene: RB1 (RB transcriptional corepressor 1; plus strand). Cytogenetic location: 13q14.2.
Variant type: single nucleotide variant.
Coding change: c.2774A>C on transcript NM_000321.3 (MANE Select); coding-DNA position 2774, A replaced by C.
Protein change: p.Lys925Thr; replaces lysine 925 with threonine.
Molecular consequence: missense variant.
Genome position (GRCh38, 1-based): chr13:48,480,058, A>C. VCF-style: chr13-48480058-A-C. GRCh37 (hg19) VCF-style: chr13-49054194-A-C.
Other names: short protein forms K925T.
Identifiers: ClinVar variation 1016834 (VCV001016834.8), dbSNP rs750946437, ClinGen allele CA388158600.

ClinVar aggregate classification (germline): Uncertain significance (1 of 4 stars; one submission).

Conditions:
Retinoblastoma (RB1). Also called: RETINOBLASTOMA, SOMATIC. Identifiers: Orphanet 790, MedGen C0035335, MeSH D012175, MONDO:0008380, OMIM 180200, HP:0009919. Disease mechanism: loss of function. Inheritance: Both sporadic and heritable forms are tested..

gnomAD v4.1: 2 of 1,612,720 alleles (0.00012%); no homozygotes.

Submission:

Labcorp Genetics (formerly Invitae), Labcorp
Classification: Uncertain significance for Retinoblastoma. Last evaluated: 2020-08-26. Review status: criteria provided, single submitter. Criteria: Invitae Variant Classification Sherloc (09022015). Collection method: clinical testing. Allele origin: germline.
Comment: This sequence change replaces lysine with threonine at codon 925 of the RB1 protein (p.Lys925Thr). The lysine residue is weakly conserved and there is a moderate physicochemical difference between lysine and threonine. This variant is not present in population databases (ExAC no frequency). This variant has not been reported in the literature in individuals with RB1-related conditions. Algorithms developed to predict the effect of missense changes on protein structure and function (SIFT, PolyPhen-2, Align-GVGD) all suggest that this variant is likely to be tolerated, but these predictions have not been confirmed by published functional studies and their clinical significance is uncertain. In summary, the available evidence is currently insufficient to determine the role of this variant in disease. Therefore, it has been classified as a Variant of Uncertain Significance.